The following is an entry in ClinVar:

ClinVar aggregate classification (germline): Likely pathogenic. Review status: criteria provided, multiple submitters, no conflicts (2 of 4 stars). 2 submissions from 2 submitters: Likely pathogenic (2). Last evaluated 2024-01-29.

Conditions:
Mosaic variegated aneuploidy syndrome 1 (MVA1). Also called: Warburton-Anyane-Yeboa syndrome. Identifiers: Orphanet 1052, MedGen C1850343, MONDO:0009759, OMIM 257300.

Submissions (2):

St. Jude Molecular Pathology, St. Jude Children's Research Hospital
Classification: Likely pathogenic for Mosaic variegated aneuploidy syndrome 1. Last evaluated: 2024-01-29. Review status: criteria provided, single submitter. Criteria: St. Jude Assertion Criteria 2020. Collection method: clinical testing. Allele origin: germline.
Comment: The BUB1B c.2869del (p.Ala957GlnfsTer3) change causes a frameshift and the creation of a premature stop codon. This change is predicted to cause protein truncation or absence of the protein due to nonsense mediated decay. This variant is absent in gnomAD v2.1.1. To our knowledge, this variant has not been reported in individuals with mosaic variegated aneuploidy syndrome. In summary, this variant meets criteria to be classified as likely pathogenic.

GeneDx
Classification: Likely pathogenic. Last evaluated: 2018-12-27. Review status: criteria provided, single submitter. Criteria: GeneDx Variant Classification (06012015). Collection method: clinical testing. Allele origin: germline. Affected: yes.
Comment: The c.2869delG variant in the BUB1B gene has not been reported previously as a pathogenic variant nor as a benign variant, to our knowledge. The c.2869delG variant causes a frameshift starting with codon Alanine 957, changes this amino acid to a Glutamine residue, and creates a premature Stop codon at position 3 of the new reading frame, denoted p.Ala957GlnfsX3. This variant is predicted to cause loss of normal protein function either through protein truncation or nonsense-mediated mRNA decay. The c.2869delG variant is not observed in large population cohorts (Lek et al., 2016). We interpret c.2869delG as a likely pathogenic variant.

NM_001211.6(BUB1B):c.2869del (p.Ala957fs)

Genes: BUB1B (BUB1 mitotic checkpoint serine/threonine kinase B; plus strand), BUB1B-PAK6 (BUB1B-PAK6 readthrough; plus strand), PAK6 (p21 (RAC1) activated kinase 6; plus strand). Cytogenetic location: 15q15.1.
Variant type: Deletion.
Coding change: c.2869del on transcript NM_001211.6 (MANE Select); coding-DNA position 2869, one base deleted (G; older notation c.2869delG).
Protein change: p.Ala957fs; shifts the reading frame from alanine 957.
Molecular consequence: frameshift variant. On other transcripts: intron variant (2).
Genome position (GRCh38, 1-based): chr15:40,218,474, G deleted. VCF-style (leftmost placement, unchanged base first): chr15-40218473-AG-A. GRCh37 (hg19) VCF-style: chr15-40510674-AG-A.
Other names: c.2869delG, p.Ala957Glnfs (NM_001211.5); c.-201+807del (NM_001128628.3); c.-118+807del (NM_001128629.3); short protein forms A957fs.
Identifiers: ClinVar variation 817359 (VCV000817359.4), dbSNP rs1595540088, ClinGen allele CA915946527.